The following is an entry in ClinVar:

ClinVar aggregate classification (germline): Uncertain significance. Review status: criteria provided, multiple submitters, no conflicts (2 of 4 stars). 5 submissions from 5 submitters: Uncertain significance (5). Last evaluated 2026-01-27.

Conditions:
Myofibrillar myopathy 5. Also called: FILAMINOPATHY, AUTOSOMAL DOMINANT; Filaminopathy (type). Identifiers: Orphanet 171445, MedGen C1836050, MONDO:0012289, OMIM 609524.
Hypertrophic cardiomyopathy 26. Also called: Cardiomyopathy, familial hypertrophic, 26. Identifiers: Orphanet 75249, MedGen C4310749, MONDO:0014883, OMIM 617047.
Distal myopathy with posterior leg and anterior hand involvement. Also called: WILLIAMS DISTAL MYOPATHY. Identifiers: Orphanet 63273, MedGen C3279722, MONDO:0013550, OMIM 614065.
FLNC-related disorder. Also called: FLNC-related disorders; FLNC-related condition.
Cardiovascular phenotype. Identifiers: MedGen CN230736.

Allele frequency attached by ClinVar (database versions not stated): gnomAD 0.00001; gnomAD exomes 0.00002; ExAC 0.00003; TOPMed 0.00003.
gnomAD v4.1: 53 of 1,613,906 alleles (0.0033%); highest among the groups gnomAD compares: Non-Finnish European, 0.0042%; no homozygotes.

Submissions (5):

Labcorp Genetics (formerly Invitae), Labcorp
Classification: Uncertain significance for Distal myopathy with posterior leg and anterior hand involvement; Myofibrillar myopathy 5; Hypertrophic cardiomyopathy 26. Last evaluated: 2026-01-27. Review status: criteria provided, single submitter. Criteria: Invitae Variant Classification Sherloc (09022015). Collection method: clinical testing. Allele origin: germline.
Comment: This sequence change replaces glycine, which is neutral and non-polar, with arginine, which is basic and polar, at codon 885 of the FLNC protein (p.Gly885Arg). This variant is present in population databases (rs769110628, gnomAD 0.005%). This variant has not been reported in the literature in individuals affected with FLNC-related conditions. ClinVar contains an entry for this variant (Variation ID: 472017). Invitae Evidence Modeling of protein sequence and biophysical properties (such as structural, functional, and spatial information, amino acid conservation, physicochemical variation, residue mobility, and thermodynamic stability) has been performed for this missense variant. However, the output from this modeling did not meet the statistical confidence thresholds required to predict the impact of this variant on FLNC protein function. In summary, the available evidence is currently insufficient to determine the role of this variant in disease. Therefore, it has been classified as a Variant of Uncertain Significance.

ARUP Laboratories, Molecular Genetics and Genomics, ARUP Laboratories
Classification: Uncertain significance. Last evaluated: 2025-05-29. Review status: criteria provided, single submitter. Criteria: ARUP Molecular Germline Variant Investigation Process 2024. Collection method: clinical testing. Allele origin: germline.
Comment: The FLNC c.2653G>A; p.Gly885Arg variant (rs769110628, ClinVar Variation ID: 472017), to our knowledge, is not reported in individuals affected with FLNC-related disorders. This variant is found in the non-Finnish European population with an allele frequency of 0.005% (6/112422 alleles) in the Genome Aggregation Database (v2.1.1). Computational analyses predict that this variant is deleterious (REVEL: 0.74). Due to limited information, the clinical significance of this variant is uncertain at this time.

PreventionGenetics, part of Exact Sciences
Classification: Uncertain significance for FLNC-related condition. Last evaluated: 2025-05-08. Review status: criteria provided, single submitter. Criteria: ACMG Guidelines, 2015. Collection method: clinical testing. Allele origin: germline.
Comment: The FLNC c.2653G>A variant is predicted to result in the amino acid substitution p.Gly885Arg. To our knowledge, this variant has not been reported in the literature. This variant is reported in 0.0053% of alleles in individuals of European (Non-Finnish) descent in gnomAD. At this time, the clinical significance of this variant is uncertain due to the absence of conclusive functional and genetic evidence.

Ambry Genetics
Classification: Uncertain significance for Cardiovascular phenotype. Last evaluated: 2025-03-18. Review status: criteria provided, single submitter. Criteria: Ambry Variant Classification Scheme 2023. Collection method: clinical testing. Allele origin: germline.
Comment: The p.G885R variant (also known as c.2653G>A), located in coding exon 18 of the FLNC gene, results from a G to A substitution at nucleotide position 2653. The glycine at codon 885 is replaced by arginine, an amino acid with dissimilar properties. This alteration was seen in one ostensibly healthy individual (Janssens J et al. Acta Neuropathol Commun, 2015 Nov;3:68). This amino acid position is highly conserved in available vertebrate species. In addition, the in silico prediction for this alteration is inconclusive. Since supporting evidence is limited at this time, the clinical significance of this alteration remains unclear.

Revvity Omics, Revvity
Classification: Uncertain significance. Last evaluated: 2022-03-10. Review status: criteria provided, single submitter. Criteria: ACMG Guidelines, 2015. Collection method: clinical testing. Allele origin: germline.

Literature cited by the submitters: PubMed 26555887 (cited by Ambry Genetics).

NM_001458.5(FLNC):c.2653G>A (p.Gly885Arg)

Gene: FLNC (filamin C; plus strand). Cytogenetic location: 7q32.1.
Variant type: single nucleotide variant.
Coding change: c.2653G>A on transcript NM_001458.5 (MANE Select); coding-DNA position 2653, G replaced by A.
Protein change: p.Gly885Arg; replaces glycine 885 with arginine.
Molecular consequence: missense variant.
Genome position (GRCh38, 1-based): chr7:128,843,419, G>A. VCF-style: chr7-128843419-G-A. GRCh37 (hg19) VCF-style: chr7-128483473-G-A.
Other names: c.2653G>A, p.Gly885Arg (NM_001127487.2); short protein forms G885R.
Identifiers: ClinVar variation 472017 (VCV000472017.19), dbSNP rs769110628, ClinGen allele CA4474815.
Genomic context (GRCh38, chr7:128,843,419, plus strand): 5'-GGGTTAGGTGGCTGCCAGGCCCTCACCACATCTCTGGGTGGGTCCTCAGGTGTGGAAGTC[G>A]GGAAGCCCACCCACTTCACGGTGCTGACCAAGGGAGCCGGCAAGGCCAAGCTGGATGTGC-3'
Protein context (NP_001449.3, residues 875-895): PGLNRTGVEV[Gly885Arg]KPTHFTVLTK